The following is an entry in ClinVar:

ClinVar aggregate classification (germline): Uncertain significance (1 of 4 stars; one submission).

Submission:

Labcorp Genetics (formerly Invitae), Labcorp
Classification: Uncertain significance. Last evaluated: 2024-02-25. Review status: criteria provided, single submitter. Criteria: Invitae Variant Classification Sherloc (09022015). Collection method: clinical testing. Allele origin: germline.
Comment: This sequence change replaces leucine, which is neutral and non-polar, with phenylalanine, which is neutral and non-polar, at codon 861 of the DCHS1 protein (p.Leu861Phe). This variant is not present in population databases (gnomAD no frequency). This variant has not been reported in the literature in individuals affected with DCHS1-related conditions. Advanced modeling of protein sequence and biophysical properties (such as structural, functional, and spatial information, amino acid conservation, physicochemical variation, residue mobility, and thermodynamic stability) performed at Invitae indicates that this missense variant is not expected to disrupt DCHS1 protein function with a negative predictive value of 80%. In summary, the available evidence is currently insufficient to determine the role of this variant in disease. Therefore, it has been classified as a Variant of Uncertain Significance.

NM_003737.4(DCHS1):c.2583G>C (p.Leu861Phe)

Gene: DCHS1 (dachsous cadherin-related 1; minus strand). Cytogenetic location: 11p15.4.
Variant type: single nucleotide variant.
Coding change: c.2583G>C on transcript NM_003737.4 (MANE Select); coding-DNA position 2583, G replaced by C.
Protein change: p.Leu861Phe; replaces leucine 861 with phenylalanine.
Molecular consequence: missense variant.
Genome position (GRCh38, 1-based): chr11:6,632,929, C>G on the plus strand (G>C on the coding strand, the complement: DCHS1 is on the minus strand). VCF-style: chr11-6632929-C-G. GRCh37 (hg19) VCF-style: chr11-6654160-C-G.
Other names: short protein forms L861F.
Identifiers: ClinVar variation 3642175 (VCV003642175.2).